The following is an entry in ClinVar:

NM_000459.5(TEK):c.1163C>T (p.Pro388Leu)

Gene: TEK (TEK receptor tyrosine kinase; plus strand). Cytogenetic location: 9p21.2.
Variant type: single nucleotide variant.
Coding change: c.1163C>T on transcript NM_000459.5 (MANE Select); coding-DNA position 1163, C replaced by T.
Protein change: p.Pro388Leu; replaces proline 388 with leucine.
Molecular consequence: missense variant.
Genome position (GRCh38, 1-based): chr9:27,183,591, C>T. VCF-style: chr9-27183591-C-T. GRCh37 (hg19) VCF-style: chr9-27183589-C-T.
Other names: c.1034C>T, p.Pro345Leu (NM_001290077.2, NM_001375476.1); c.722C>T, p.Pro241Leu (NM_001290078.2); c.1163C>T, p.Pro388Leu (NM_001375475.1); short protein forms P345L, P241L, P388L.
Identifiers: ClinVar variation 4695411 (VCV004695411.1).

ClinVar aggregate classification (germline): Uncertain significance (1 of 4 stars; one submission).

gnomAD v4.1: 13 of 1,613,876 alleles (0.00081%); highest among the groups gnomAD compares: East Asian, 0.0022%; no homozygotes.

Submission:

Labcorp Genetics (formerly Invitae), Labcorp
Classification: Uncertain significance. Last evaluated: 2025-12-28. Review status: criteria provided, single submitter. Criteria: Invitae Variant Classification Sherloc (09022015). Collection method: clinical testing. Allele origin: germline.
Comment: This sequence change replaces proline, which is neutral and non-polar, with leucine, which is neutral and non-polar, at codon 388 of the TEK protein (p.Pro388Leu). This variant is not present in population databases (gnomAD no frequency). This variant has not been reported in the literature in individuals affected with TEK-related conditions. Invitae Evidence Modeling of protein sequence and biophysical properties (such as structural, functional, and spatial information, amino acid conservation, physicochemical variation, residue mobility, and thermodynamic stability) indicates that this missense variant is not expected to disrupt TEK protein function with a negative predictive value of 80%. In summary, the available evidence is currently insufficient to determine the role of this variant in disease. Therefore, it has been classified as a Variant of Uncertain Significance.